The following is an entry in ClinVar:

ClinVar aggregate classification (germline): Benign/Likely benign. Review status: criteria provided, multiple submitters, no conflicts (2 of 4 stars). 10 submissions from 9 submitters: Benign (1); Likely benign (9). Last evaluated 2026-03-01.

Conditions:
Familial thoracic aortic aneurysm and aortic dissection (TAAD). Also called: Thoracic aortic aneurysms and dissections. Identifiers: Orphanet 91387, MedGen C4707243, MONDO:0019625.
Connective tissue disorder. Also called: Connective tissue disease. Identifiers: MedGen C0009782, MONDO:0003900.
Adams-Oliver syndrome 5 (AOS5). Identifiers: Orphanet 974, MedGen C4014970, MONDO:0014459, OMIM 616028.
Aortic valve disease 1 (AOVD1). Identifiers: MedGen C3887892, MONDO:0024523, OMIM 109730.

Allele frequency attached by ClinVar (database versions not stated): 1000 Genomes Project 0.00040; ExAC 0.00053; gnomAD exomes 0.00053 and 0.00079; TOPMed 0.00059; 1000 Genomes Project 30x 0.00062; ESP Exome Variant Server 0.00062; gnomAD 0.00067 and 0.00068.
gnomAD v4.1: 1,241 of 1,612,754 alleles (0.077%); highest among the groups gnomAD compares: Non-Finnish European, 0.098%; 1 homozygote.

Submissions (10):

CeGaT Center for Human Genetics Tuebingen
Classification: Likely benign. Last evaluated: 2026-03-01. Review status: criteria provided, single submitter. Criteria: CeGaT Center For Human Genetics Tuebingen Variant Classification Criteria Version 2. Collection method: clinical testing. Allele origin: germline. Affected: yes. Observed: 4 variant alleles.
Comment: NOTCH1: BP4, BP7

Labcorp Genetics (formerly Invitae), Labcorp
Classification: Likely benign for Adams-Oliver syndrome 5. Last evaluated: 2026-02-04. Review status: criteria provided, single submitter. Criteria: Invitae Variant Classification Sherloc (09022015). Collection method: clinical testing. Allele origin: germline.

Blueprint Genetics
Classification: Likely benign. Last evaluated: 2024-09-24. Review status: criteria provided, single submitter. Criteria: ACMG Guidelines, 2015. Collection method: clinical testing. Allele origin: germline.

Women's Health and Genetics/Laboratory Corporation of America, LabCorp
Classification: Benign. Last evaluated: 2023-11-06. Review status: criteria provided, single submitter. Criteria: LabCorp Variant Classification Summary - May 2015. Collection method: clinical testing. Allele origin: germline.

CHEO Genetics Diagnostic Laboratory, Children's Hospital of Eastern Ontario
Classification: Likely benign for Familial thoracic aortic aneurysm and aortic dissection. Last evaluated: 2022-05-31. Review status: criteria provided, single submitter. Criteria: ACMG Guidelines, 2015. Collection method: clinical testing. Allele origin: germline.

Genome-Nilou Lab
Classification: Likely benign for Adams-Oliver syndrome 5. Last evaluated: 2022-03-15. Review status: criteria provided, single submitter. Criteria: ACMG Guidelines, 2015. Collection method: clinical testing. Allele origin: germline. Affected: no.

Genome-Nilou Lab
Classification: Likely benign for Aortic valve disease 1. Last evaluated: 2022-03-15. Review status: criteria provided, single submitter. Criteria: ACMG Guidelines, 2015. Collection method: clinical testing. Allele origin: germline. Affected: no.

GeneDx
Classification: Likely benign. Last evaluated: 2021-06-17. Review status: criteria provided, single submitter. Criteria: GeneDx Variant Classification Process June 2021. Collection method: clinical testing. Allele origin: germline. Affected: yes.
Comment: This variant is associated with the following publications: (PMID: 21457232)

Center for Human Genetics, Inc
Classification: Likely benign for Connective tissue disorder. Last evaluated: 2016-11-01. Review status: criteria provided, single submitter. Criteria: ACMG Guidelines, 2015. Collection method: clinical testing. Allele origin: germline. Affected: yes.

Ambry Genetics
Classification: Likely benign for Familial thoracic aortic aneurysm and aortic dissection. Last evaluated: 2016-10-19. Review status: criteria provided, single submitter. Criteria: Ambry Variant Classification Scheme 2023. Collection method: clinical testing. Allele origin: germline.

NM_017617.5(NOTCH1):c.1389C>T (p.Asn463=)

Gene: NOTCH1 (notch receptor 1; minus strand). Cytogenetic location: 9q34.3.
Variant type: single nucleotide variant.
Coding change: c.1389C>T on transcript NM_017617.5 (MANE Select); coding-DNA position 1389, C replaced by T.
Protein change: p.Asn463=; no amino-acid change (asparagine 463 retained).
Molecular consequence: synonymous variant.
Genome position (GRCh38, 1-based): chr9:136,517,804, G>A on the plus strand (C>T on the coding strand, the complement: NOTCH1 is on the minus strand). VCF-style: chr9-136517804-G-A. GRCh37 (hg19) VCF-style: chr9-139412256-G-A.
Other names: c.1389C>T, p.Asn463= (LRG_1122t1).
Identifiers: ClinVar variation 389571 (VCV000389571.44), dbSNP rs61733293, ClinGen allele CA5341819.